The following is an entry in ClinVar:

ClinVar aggregate classification (germline): Uncertain significance (1 of 4 stars; one submission).

Conditions:
Short-rib thoracic dysplasia 13 with or without polydactyly (SRTD13). Identifiers: Orphanet 474, MedGen C4225378, MONDO:0014577, OMIM 616300.

gnomAD v4.1: 18 of 1,614,056 alleles (0.0011%); highest among the groups gnomAD compares: Non-Finnish European, 0.0014%; no homozygotes.

Submission:

Labcorp Genetics (formerly Invitae), Labcorp
Classification: Uncertain significance for Short-rib thoracic dysplasia 13 with or without polydactyly. Last evaluated: 2024-05-15. Review status: criteria provided, single submitter. Criteria: Invitae Variant Classification Sherloc (09022015). Collection method: clinical testing. Allele origin: germline.
Comment: This sequence change replaces phenylalanine, which is neutral and non-polar, with tyrosine, which is neutral and polar, at codon 220 of the CEP120 protein (p.Phe220Tyr). This variant is present in population databases (no rsID available, gnomAD 0.004%). This variant has not been reported in the literature in individuals affected with CEP120-related conditions. Advanced modeling of protein sequence and biophysical properties (such as structural, functional, and spatial information, amino acid conservation, physicochemical variation, residue mobility, and thermodynamic stability) performed at Invitae indicates that this missense variant is not expected to disrupt CEP120 protein function with a negative predictive value of 80%. In summary, the available evidence is currently insufficient to determine the role of this variant in disease. Therefore, it has been classified as a Variant of Uncertain Significance.

NM_001375405.1(CEP120):c.659T>A (p.Phe220Tyr)

Gene: CEP120 (centrosomal protein 120; minus strand). Cytogenetic location: 5q23.2.
Variant type: single nucleotide variant.
Coding change: c.659T>A on transcript NM_001375405.1 (MANE Select); coding-DNA position 659, T replaced by A.
Protein change: p.Phe220Tyr; replaces phenylalanine 220 with tyrosine.
Molecular consequence: missense variant. On other transcripts: non-coding transcript variant (1).
Genome position (GRCh38, 1-based): chr5:123,393,451, A>T on the plus strand (T>A on the coding strand, the complement: CEP120 is on the minus strand). VCF-style: chr5-123393451-A-T. GRCh37 (hg19) VCF-style: chr5-122729145-A-T.
Other names: c.581T>A, p.Phe194Tyr (NM_001166226.2); c.659T>A, p.Phe220Tyr (NM_001375406.1, NM_001375407.1, NM_153223.4); c.86T>A, p.Phe29Tyr (NM_001375408.1, NM_001375409.1); short protein forms F194Y, F29Y, F220Y.
Identifiers: ClinVar variation 3672035 (VCV003672035.2).